The following is an entry in ClinVar:

NM_139076.3(ABRAXAS1):c.235G>A (p.Glu79Lys)

Gene: ABRAXAS1 (abraxas 1, BRCA1 A complex subunit; minus strand). Cytogenetic location: 4q21.23.
Variant type: single nucleotide variant.
Coding change: c.235G>A on transcript NM_139076.3 (MANE Select); coding-DNA position 235, G replaced by A.
Protein change: p.Glu79Lys; replaces glutamic acid 79 with lysine.
Molecular consequence: missense variant. On other transcripts: intron variant (1).
Genome position (GRCh38, 1-based): chr4:83,472,269, C>T on the plus strand (G>A on the coding strand, the complement: ABRAXAS1 is on the minus strand). VCF-style: chr4-83472269-C-T. GRCh37 (hg19) VCF-style: chr4-84393422-C-T.
Other names: c.-45-1873G>A (NM_001345962.2); short protein forms E79K.
Identifiers: ClinVar variation 1799690 (VCV001799690.3), dbSNP rs1722612684, ClinGen allele CA357261124.

ClinVar aggregate classification (germline): Uncertain significance (1 of 4 stars; one submission).

Allele frequency attached by ClinVar (database versions not stated): gnomAD exomes below 0.00001; TOPMed below 0.00001; gnomAD 0.00001.
gnomAD v4.1: 3 of 1,520,594 alleles (0.0002%); highest among the groups gnomAD compares: East Asian, 0.0025%; no homozygotes.

Submission:

Ambry Genetics
Classification: Uncertain significance. Last evaluated: 2024-05-10. Review status: criteria provided, single submitter. Criteria: Ambry Variant Classification Scheme 2023. Collection method: clinical testing. Allele origin: germline.
Comment: The p.E79K variant (also known as c.235G>A), located in coding exon 4 of the FAM175A gene, results from a G to A substitution at nucleotide position 235. The glutamic acid at codon 79 is replaced by lysine, an amino acid with similar properties. This amino acid position is conserved. In addition, this alteration is predicted to be tolerated by in silico analysis. Since supporting evidence is limited at this time, the clinical significance of this alteration remains unclear.